The following is an entry in ClinVar:

ClinVar aggregate classification (germline): Pathogenic. Review status: reviewed by expert panel (3 of 4 stars). 7 submissions from 7 submitters: Pathogenic (1). 6 of the submissions do not count toward it. Last evaluated 2016-09-08.

Conditions:
Hereditary cancer-predisposing syndrome. Also called: Tumor predisposition; Hereditary neoplastic syndrome; Hereditary Cancer Syndrome; Neoplastic Syndromes, Hereditary. Identifiers: Orphanet 140162, MedGen C0027672, MeSH D009386, MONDO:0015356.
Hereditary breast ovarian cancer syndrome. Also called: Hereditary breast and/or ovarian cancer syndrome; Breast and ovarian cancer; Hereditary breast and ovarian cancer syndrome; Hereditary breast and ovarian cancer; Hereditary breast and ovarian cancer syndrome (HBOC); BRCA1- and BRCA2-Associated Hereditary Breast and Ovarian Cancer. Identifiers: Orphanet 145, MedGen C0677776, MeSH D061325, MONDO:0003582. Disease mechanism: loss of function.
Breast-ovarian cancer, familial, susceptibility to, 1 (BROVCA1). Also called: BRCA1 Hereditary Breast and Ovarian Cancer; OVARIAN CANCER, SUSCEPTIBILITY TO. Identifiers: Orphanet 145, MedGen C2676676, MONDO:0011450, OMIM 604370. Disease mechanism: loss of function.

Submissions (7):

Evidence-based Network for the Interpretation of Germline Mutant Alleles (ENIGMA)
Classification: Pathogenic for Breast-ovarian cancer, familial, susceptibility to, 1. Last evaluated: 2016-09-08. Review status: reviewed by expert panel. Criteria: ENIGMA BRCA1/2 Classification Criteria (2015). Collection method: curation. Allele origin: germline.
Comment: Variant allele predicted to encode a truncated non-functional protein.

Labcorp Genetics (formerly Invitae), Labcorp
Classification: Pathogenic for Hereditary breast ovarian cancer syndrome. Last evaluated: 2024-09-25. Review status: criteria provided, single submitter. Criteria: Invitae Variant Classification Sherloc (09022015). Collection method: clinical testing. Allele origin: germline. Not counted in ClinVar's aggregate classification.
Comment: This sequence change creates a premature translational stop signal (p.Arg7Cysfs*24) in the BRCA1 gene. It is expected to result in an absent or disrupted protein product. Loss-of-function variants in BRCA1 are known to be pathogenic (PMID: 20104584). This variant is not present in population databases (gnomAD no frequency). This premature translational stop signal has been observed in individual(s) with personal or family history of breast and/or ovarian cancer (PMID: 21120943, 22762150, 27656653). ClinVar contains an entry for this variant (Variation ID: 125491). For these reasons, this variant has been classified as Pathogenic.

Quest Diagnostics Nichols Institute San Juan Capistrano
Classification: Pathogenic. Last evaluated: 2023-05-16. Review status: criteria provided, single submitter. Criteria: Quest Diagnostics criteria. Collection method: clinical testing. Allele origin: unknown. Not counted in ClinVar's aggregate classification.
Comment: The BRCA1 c.19_47del (p.Arg7Cysfs*24) variant alters the translational reading frame of the BRCA1 mRNA and causes the premature termination of BRCA1 protein synthesis. This variant has been reported in the published literature in affected individuals/families with a personal and/or family history of breast and/or ovarian cancer (PMIDs: 21120943 (2011), 22762150 (2012), 32341426 (2020), and 34490083 (2021)). This variant has not been reported in large, multi-ethnic general populations (Genome Aggregation Database). Based on the available information, this variant is classified as pathogenic.

Ambry Genetics
Classification: Pathogenic for Hereditary cancer-predisposing syndrome. Last evaluated: 2021-09-03. Review status: criteria provided, single submitter. Criteria: Ambry Variant Classification Scheme 2023. Collection method: clinical testing. Allele origin: germline. Not counted in ClinVar's aggregate classification.
Comment: The c.19_47del29 pathogenic mutation, located in coding exon 1 of the BRCA1 gene, results from a deletion of 29 nucleotides at nucleotide positions 19 to 47, causing a translational frameshift with a predicted alternate stop codon (p.R7Cfs*24). In one study, this variant was observed in 1/1525 unrelated patients who had BRCA1/2 genetic testing due to a personal and/or family history suspicious for Hereditary Breast and/or Ovarian Cancer syndrome. (Caux-Moncoutier V et al. Hum Mutat, 2011 Mar;32:325-34). In addition to the clinical data presented in the literature, this alteration is expected to result in loss of function by premature protein truncation or nonsense-mediated mRNA decay. As such, this alteration is interpreted as a disease-causing mutation.

Consortium of Investigators of Modifiers of BRCA1/2 (CIMBA), c/o University of Cambridge
Classification: Pathogenic for Breast-ovarian cancer, familial, susceptibility to, 1. Last evaluated: 2015-10-02. Review status: criteria provided, single submitter. Criteria: CIMBA Mutation Classification guidelines May 2016. Collection method: clinical testing. Allele origin: germline. Not counted in ClinVar's aggregate classification.

Biomedical Genomics and Oncogenetics Laboratory, Institut Pasteur de Tunis, University Tunis El Manar
Classification: Pathogenic for Breast-ovarian cancer, familial, susceptibility to, 1. Review status: criteria provided, single submitter. Criteria: ACMG Guidelines, 2015. Collection method: clinical testing. Allele origin: germline. Affected: yes. Observed: 1 variant allele. Not counted in ClinVar's aggregate classification.

Breast Cancer Information Core (BIC) (BRCA1)
Classification: Pathogenic for Breast-ovarian cancer, familial 1. Last evaluated: 1999-06-23. Review status: no assertion criteria provided. Collection method: clinical testing. Allele origin: germline. Affected: yes. Observed: 1 variant allele. Not counted in ClinVar's aggregate classification.

Literature cited by the submitters: PubMed 20104584 (cited by Labcorp Genetics (formerly Invitae), Labcorp); PubMed 21120943 (cited by 4 submitters); PubMed 22762150 (cited by Labcorp Genetics (formerly Invitae), Labcorp and Quest Diagnostics Nichols Institute San Juan Capistrano); PubMed 27656653 (cited by Labcorp Genetics (formerly Invitae), Labcorp and Quest Diagnostics Nichols Institute San Juan Capistrano); PubMed 31209999 (cited by Quest Diagnostics Nichols Institute San Juan Capistrano and Ambry Genetics); PubMed 23942203 (cited by Quest Diagnostics Nichols Institute San Juan Capistrano); PubMed 32341426 (cited by Quest Diagnostics Nichols Institute San Juan Capistrano); PubMed 34490083 (cited by Quest Diagnostics Nichols Institute San Juan Capistrano).

NM_007294.4(BRCA1):c.19_47del (p.Arg7fs)

Gene: BRCA1 (BRCA1 DNA repair associated; minus strand). Cytogenetic location: 17q21.31.
Variant type: Deletion.
Coding change: c.19_47del on transcript NM_007294.4 (MANE Select); coding-DNA positions 19 to 47, 29 bases deleted (CGCGTTGAAGAAGTACAAAATGTCATTAA).
Protein change: p.Arg7fs; shifts the reading frame from arginine 7.
Molecular consequence: frameshift variant. On other transcripts: 5 prime UTR variant (1), non-coding transcript variant (1).
Genome position (GRCh38, 1-based): chr17:43,124,050-43,124,078, TTAATGACATTTTGTACTTCTTCAACGCG deleted on the plus strand (CGCGTTGAAGAAGTACAAAATGTCATTAA on the coding strand, the reverse complement: BRCA1 is on the minus strand). VCF-style (leftmost placement, unchanged base first): chr17-43124049-ATTAATGACATTTTGTACTTCTTCAACGCG-A. GRCh37 (hg19) VCF-style: chr17-41276066-ATTAATGACATTTTGTACTTCTTCAACGCG-A.
Other names: 138del29; c.19_47delCGCGTTGAAGAAGTACAAAATGTCATTAA (NM_007294.3); c.-170_-142del29 (NM_001407571.1, NM_001407853.1, NM_001407879.1 and 46 more transcripts); c.19_47del29, p.Arg7Cysfs (NM_001407581.1, NM_001407582.1, NM_001407583.1 and 191 more transcripts); c.-239_-211del29 (NM_001407694.1, NM_001407724.1, NM_001407727.1 and 11 more transcripts); c.-243_-215del29 (NM_001407695.1, NM_001408465.1); c.-384_-356del29 (NM_001407696.1); c.-268_-240del29 (NM_001407697.1, NM_001407846.1, NM_001407920.1); and 12 more; short protein forms R7fs.
Identifiers: ClinVar variation 125491 (VCV000125491.19), dbSNP rs80359871, ClinGen allele CA001288.